The following is an entry in ClinVar:

NM_001267550.2(TTN):c.32160C>T (p.Phe10720=)

Gene: TTN (titin; minus strand). Cytogenetic location: 2q31.2.
Variant type: single nucleotide variant.
Coding change: c.32160C>T on transcript NM_001267550.2 (MANE Select); coding-DNA position 32160, C replaced by T.
Protein change: p.Phe10720=; no amino-acid change (phenylalanine 10720 retained).
Molecular consequence: synonymous variant. On other transcripts: intron variant (3).
Genome position (GRCh38, 1-based): chr2:178,688,714, G>A on the plus strand (C>T on the coding strand, the complement: TTN is on the minus strand). VCF-style: chr2-178688714-G-A. GRCh37 (hg19) VCF-style: chr2-179553441-G-A.
Other names: c.32160C>T (NM_001267550.1); c.31209C>T, p.Phe10403= (NM_001256850.1); c.28428C>T, p.Phe9476= (NM_133378.4); c.13283-46397C>T (NM_003319.4); c.13859-46397C>T (NM_133437.4); c.13658-46397C>T (NM_133432.3).
Identifiers: ClinVar variation 762477 (VCV000762477.10), dbSNP rs1020838415, ClinGen allele CA60987896.
Genomic context (GRCh38, chr2:178,688,714, plus strand): 5'-TCCCCTGACTTCCGATTATATACCTTCGTGCCGCGTGACTTCCACTCTTTGAGGAACTGC[G>A]AAGGATAGTTTTTCTTCAGCAACAAATCTCTTTTCTTCTACAACAGTTTTCTTAGAGACT-3'
Protein context (NP_001254479.2, residues 10710-10730): KRFVAEEKLS[Phe10720=]AVPQRVEVTR

ClinVar aggregate classification (germline): Conflicting classifications of pathogenicity. Review status: criteria provided, conflicting classifications (1 of 4 stars). 2 submissions from 2 submitters: Uncertain significance (1); Likely benign (1). Last evaluated 2025-04-11.

Conditions:
Dilated cardiomyopathy 1G (CMD1G). Identifiers: Orphanet 154, MedGen C1858763, MONDO:0011400, OMIM 604145.
Autosomal recessive limb-girdle muscular dystrophy type 2J (LGMDR10). Also called: MUSCULAR DYSTROPHY, LIMB-GIRDLE, AUTOSOMAL RECESSIVE 10; Limb-girdle muscular dystrophy, type 2J. Identifiers: Orphanet 140922, MedGen C1837342, MONDO:0012127, OMIM 608807.

Allele frequency attached by ClinVar (database versions not stated): TOPMed below 0.00001; gnomAD 0.00001; gnomAD exomes 0.00002 and below 0.00001.
gnomAD v4.1: 7 of 1,613,672 alleles (0.00043%); highest among the groups gnomAD compares: Middle Eastern, 0.016%; no homozygotes.

Submissions (2):

Labcorp Genetics (formerly Invitae), Labcorp
Classification: Likely benign for Dilated cardiomyopathy 1G; Autosomal recessive limb-girdle muscular dystrophy type 2J. Last evaluated: 2025-04-11. Review status: criteria provided, single submitter. Criteria: Invitae Variant Classification Sherloc (09022015). Collection method: clinical testing. Allele origin: germline.

GeneDx
Classification: Uncertain significance. Last evaluated: 2023-11-20. Review status: criteria provided, single submitter. Criteria: GeneDx Variant Classification Process June 2021. Collection method: clinical testing. Allele origin: germline. Affected: yes.
Comment: Not observed at significant frequency in large population cohorts (gnomAD); Has not been previously published as pathogenic or benign to our knowledge; In silico analysis suggests this variant may impact gene splicing. In the absence of RNA/functional studies, the actual effect of this sequence change is unknown.